The following is an entry in ClinVar:

ClinVar aggregate classification (germline): Pathogenic (1 of 4 stars; one submission).

gnomAD v4.1: 3 of 1,614,204 alleles (0.00019%); highest among the groups gnomAD compares: Non-Finnish European, 0.00025%; no homozygotes.

Submission:

GeneDx
Classification: Pathogenic. Last evaluated: 2026-05-04. Review status: criteria provided, single submitter. Criteria: GeneDx Variant Classification Process June 2021. Collection method: clinical testing. Allele origin: germline.
Comment: Nonsense variant predicted to result in protein truncation or nonsense mediated decay in a gene for which loss of function is a known mechanism of disease; Not observed at significant frequency in large population cohorts (gnomAD); Has been observed in a study examining variants in mitochondrial-related genes and the association with liver dysfunction from the UK Biobank cohort; however clinical information, segregation data, or presence/absence of additional variants was not specified in this publication (PMID: 38862964); This variant is associated with the following publications: (PMID: 38862964)

NM_004614.5(TK2):c.314G>A (p.Trp105Ter)

Gene: TK2 (thymidine kinase 2; minus strand). Cytogenetic location: 16q21.
Variant type: single nucleotide variant.
Coding change: c.314G>A on transcript NM_004614.5 (MANE Select); coding-DNA position 314, G replaced by A.
Protein change: p.Trp105Ter; replaces tryptophan 105 with a stop codon.
Molecular consequence: nonsense. On other transcripts: non-coding transcript variant (1).
Genome position (GRCh38, 1-based): chr16:66,531,441, C>T on the plus strand (G>A on the coding strand, the complement: TK2 is on the minus strand). VCF-style: chr16-66531441-C-T. GRCh37 (hg19) VCF-style: chr16-66565344-C-T.
Other names: c.221G>A, p.Trp74Ter (NM_001172643.1, NM_001271935.1); c.239G>A, p.Trp80Ter (NM_001172644.2); c.260G>A, p.Trp87Ter (NM_001172645.2); c.167G>A, p.Trp56Ter (NM_001271934.2); c.23G>A, p.Trp8Ter (NM_001272050.2); short protein forms W105*, W56*, W74*, W8*, W80*, W87*.
Identifiers: ClinVar variation 4083337 (VCV004083337.2).
Genomic context (GRCh38, chr16:66,531,441, plus strand): 5'-TGAGGACGAGTATGCCTGTCCAGCATGGTGAGCTGCACATAAGTCTGTAGCGTAAGACCC[C>T]AGCGAGAGGCATCGTGGTACATCAGGCCCTGCAGAAGGGAAAACACAGCACTTTCCATCA-3'